The following is an entry in ClinVar:

NM_020937.4(FANCM):c.3096T>C (p.Asp1032=)

Gene: FANCM (FA complementation group M; plus strand). Cytogenetic location: 14q21.2.
Variant type: single nucleotide variant.
Coding change: c.3096T>C on transcript NM_020937.4 (MANE Select); coding-DNA position 3096, T replaced by C.
Protein change: p.Asp1032=; no amino-acid change (aspartic acid 1032 retained).
Molecular consequence: synonymous variant.
Genome position (GRCh38, 1-based): chr14:45,175,850, T>C. VCF-style: chr14-45175850-T-C. GRCh37 (hg19) VCF-style: chr14-45645053-T-C.
Other names: c.3096T>C (LRG_502t1, NM_020937.3); c.3018T>C, p.Asp1006= (NM_001308133.2).
Identifiers: ClinVar variation 313210 (VCV000313210.15), dbSNP rs199507375, ClinGen allele CA7169466.
Genomic context (GRCh38, chr14:45,175,850, plus strand): 5'-TAAGGGTACTGCACTTGAGAATTTGCTTTTCTTACCCTGTGCAGAGCATTTACGAAGTGA[T>C]AAATGCACCTGTTTGCTGTCACATTCAGCTGTGAATTCTCAACAGAATTTAGAATTGAAT-3'
Protein context (NP_065988.1, residues 1022-1042): FLPCAEHLRS[Asp1032=]KCTCLLSHSA

ClinVar aggregate classification (germline): Likely benign. Review status: criteria provided, multiple submitters, no conflicts (2 of 4 stars). 5 submissions from 5 submitters: Likely benign (4). 1 of the submissions does not count toward it. Last evaluated 2026-01-22.

Conditions:
Inborn genetic diseases. Identifiers: MedGen C0950123, MeSH D030342.
FANCM-related disorder. Also called: FANCM-related condition.
Spermatogenic failure 28. Identifiers: MedGen C4748117, MONDO:0054732, OMIM 618086.
Premature ovarian failure 15. Identifiers: MedGen C4748170, MONDO:0054862, OMIM 618096.
Fanconi anemia (FA). Also called: Fanconi's anemia. Identifiers: Orphanet 84, MedGen C0015625, MeSH D005199, MONDO:0019391.

Allele frequency attached by ClinVar (database versions not stated): ExAC 0.00003; gnomAD exomes 0.00003 and 0.00004; TOPMed 0.00003; gnomAD 0.00006 and 0.00007; 1000 Genomes Project 30x 0.00016; 1000 Genomes Project 0.00020.
gnomAD v4.1: 74 of 1,614,064 alleles (0.0046%); highest among the groups gnomAD compares: Non-Finnish European, 0.0056%; no homozygotes.

Submissions (5):

Labcorp Genetics (formerly Invitae), Labcorp
Classification: Likely benign for Fanconi anemia. Last evaluated: 2026-01-22. Review status: criteria provided, single submitter. Criteria: Invitae Variant Classification Sherloc (09022015). Collection method: clinical testing. Allele origin: germline.

Ambry Genetics
Classification: Likely benign for Inborn genetic diseases. Last evaluated: 2024-11-23. Review status: criteria provided, single submitter. Criteria: Ambry Variant Classification Scheme 2023. Collection method: clinical testing. Allele origin: germline.

Blueprint Genetics
Classification: Likely benign. Last evaluated: 2024-03-18. Review status: criteria provided, single submitter. Criteria: ACMG Guidelines, 2015. Collection method: clinical testing. Allele origin: germline.

Fulgent Genetics
Classification: Likely benign for Spermatogenic failure 28; Premature ovarian failure 15. Last evaluated: 2021-08-16. Review status: criteria provided, single submitter. Criteria: ACMG Guidelines, 2015. Collection method: clinical testing. Allele origin: unknown.

PreventionGenetics, part of Exact Sciences
Classification: Likely benign for FANCM-related condition. Last evaluated: 2019-11-11. Review status: no assertion criteria provided. Collection method: clinical testing. Allele origin: germline. Not counted in ClinVar's aggregate classification.
Comment: This variant is classified as likely benign based on ACMG/AMP sequence variant interpretation guidelines (Richards et al. 2015 PMID: 25741868, with internal and published modifications).